The following is an entry in ClinVar:

ClinVar aggregate classification (germline): Likely pathogenic (1 of 4 stars; one submission).

Conditions:
DNAAF1-related disorder. Also called: DNAAF1-related condition.

Submission:

PreventionGenetics, part of Exact Sciences
Classification: Likely pathogenic for DNAAF1-related condition. Last evaluated: 2026-08-13. Review status: criteria provided, single submitter. Criteria: ACMG Guidelines, 2015. Collection method: clinical testing. Allele origin: germline.
Comment: The DNAAF1 c.259A>T variant is predicted to result in premature protein termination (p.Arg87*). To our knowledge, this variant has not been reported in the literature or in a large population database (gnomAD), indicating this variant is rare. Nonsense variants in DNAAF1 are expected to be pathogenic. This variant is interpreted as likely pathogenic.

NM_178452.6(DNAAF1):c.259A>T (p.Arg87Ter)

Gene: DNAAF1 (dynein axonemal assembly factor 1; plus strand). Cytogenetic location: 16q24.1.
Variant type: single nucleotide variant.
Coding change: c.259A>T on transcript NM_178452.6 (MANE Select); coding-DNA position 259, A replaced by T.
Protein change: p.Arg87Ter; replaces arginine 87 with a stop codon.
Molecular consequence: nonsense.
Genome position (GRCh38, 1-based): chr16:84,149,141, A>T. VCF-style: chr16-84149141-A-T. GRCh37 (hg19) VCF-style: chr16-84182746-A-T.
Other names: short protein forms R87*.
Identifiers: ClinVar variation 4995474 (VCV004995474.1).